The following is an entry in ClinVar:

ClinVar aggregate classification (germline): Conflicting classifications of pathogenicity. Review status: criteria provided, conflicting classifications (1 of 4 stars). 3 submissions from 3 submitters: Uncertain significance (2); Likely benign (1). Last evaluated 2025-05-21.

Conditions:
RPE65-related disorder. Also called: RPE65-related disorders; RPE65-related condition. Identifiers: MedGen CN239301.
Leber congenital amaurosis 2 (LCA2). Also called: AMAUROSIS CONGENITA OF LEBER II; Autosomal Recessive RPE65-Related Retinal Degeneration. Identifiers: Orphanet 65, MedGen C1859844, MONDO:0008765, OMIM 204100. Disease mechanism: loss of function.
Retinitis pigmentosa 20 (RP20). Identifiers: Orphanet 791, MedGen C3151086, MONDO:0013425, OMIM 613794.

Allele frequency attached by ClinVar (database versions not stated): gnomAD exomes 0.00004; ExAC 0.00007.
gnomAD v4.1: 81 of 1,613,988 alleles (0.005%); highest among the groups gnomAD compares: African/African-American, 0.0013%; no homozygotes.

Submissions (3):

PreventionGenetics, part of Exact Sciences
Classification: Likely benign for RPE65-related condition. Last evaluated: 2025-05-21. Review status: criteria provided, single submitter. Criteria: ACMG Guidelines, 2015. Collection method: clinical testing. Allele origin: germline.
Comment: This variant is classified as likely benign based on ACMG/AMP sequence variant interpretation guidelines (Richards et al. 2015 PMID: 25741868, with internal and published modifications).

Blueprint Genetics
Classification: Uncertain significance. Last evaluated: 2024-07-02. Review status: criteria provided, single submitter. Criteria: ACMG Guidelines, 2015. Collection method: clinical testing. Allele origin: germline.

Labcorp Genetics (formerly Invitae), Labcorp
Classification: Uncertain significance for Leber congenital amaurosis 2; Retinitis pigmentosa 20. Last evaluated: 2022-07-20. Review status: criteria provided, single submitter. Criteria: Invitae Variant Classification Sherloc (09022015). Collection method: clinical testing. Allele origin: germline.
Comment: This sequence change replaces glycine, which is neutral and non-polar, with glutamic acid, which is acidic and polar, at codon 53 of the RPE65 protein (p.Gly53Glu). This variant is present in population databases (rs763536294, gnomAD 0.2%). This variant has not been reported in the literature in individuals affected with RPE65-related conditions. Algorithms developed to predict the effect of missense changes on protein structure and function are either unavailable or do not agree on the potential impact of this missense change (SIFT: "Deleterious"; PolyPhen-2: "Probably Damaging"; Align-GVGD: "Class C15"). In summary, the available evidence is currently insufficient to determine the role of this variant in disease. Therefore, it has been classified as a Variant of Uncertain Significance.

NM_000329.3(RPE65):c.158G>A (p.Gly53Glu)

Gene: RPE65 (retinoid isomerohydrolase RPE65; minus strand). Cytogenetic location: 1p31.3.
Variant type: single nucleotide variant.
Coding change: c.158G>A on transcript NM_000329.3 (MANE Select); coding-DNA position 158, G replaced by A.
Protein change: p.Gly53Glu; replaces glycine 53 with glutamic acid.
Molecular consequence: missense variant.
Genome position (GRCh38, 1-based): chr1:68,446,797, C>T on the plus strand (G>A on the coding strand, the complement: RPE65 is on the minus strand). VCF-style: chr1-68446797-C-T. GRCh37 (hg19) VCF-style: chr1-68912480-C-T.
Other names: c.158G>A, p.Gly53Glu (NM_001406853.1, NM_001406859.1, NM_001406860.1); c.-119G>A (NM_001406857.1); c.158G>A (NM_000329.2); short protein forms G53E.
Identifiers: ClinVar variation 2037956 (VCV002037956.3), dbSNP rs763536294, ClinGen allele CA902587.